The following is an entry in ClinVar:

NM_000465.4(BARD1):c.2045C>A (p.Thr682Asn)

Gene: BARD1 (BRCA1 associated RING domain 1; minus strand). Cytogenetic location: 2q35.
Variant type: single nucleotide variant.
Coding change: c.2045C>A on transcript NM_000465.4 (MANE Select); coding-DNA position 2045, C replaced by A.
Protein change: p.Thr682Asn; replaces threonine 682 with asparagine.
Molecular consequence: missense variant. On other transcripts: non-coding transcript variant (3).
Genome position (GRCh38, 1-based): chr2:214,728,965, G>T on the plus strand (C>A on the coding strand, the complement: BARD1 is on the minus strand). VCF-style: chr2-214728965-G-T. GRCh37 (hg19) VCF-style: chr2-215593689-G-T.
Other names: c.1988C>A, p.Thr663Asn (NM_001282543.2); c.692C>A, p.Thr231Asn (NM_001282545.2); c.635C>A, p.Thr212Asn (NM_001282548.2); c.506C>A, p.Thr169Asn (NM_001282549.2); short protein forms T169N, T212N, T663N, T231N, T682N.
Identifiers: ClinVar variation 1368580 (VCV001368580.9), dbSNP rs1559372592, ClinGen allele CA350450735.

ClinVar aggregate classification (germline): Uncertain significance (1 of 4 stars; one submission).

Conditions:
Familial cancer of breast. Also called: hereditary breast carcinoma; Hereditary breast cancer; BREAST CANCER, FAMILIAL. Identifiers: Orphanet 227535, MedGen C0346153, MONDO:0016419, OMIM 114480. Disease mechanism: loss of function.

Allele frequency attached by ClinVar (database versions not stated): gnomAD exomes below 0.00001.
gnomAD v4.1: 2 of 1,614,114 alleles (0.00012%); highest among the groups gnomAD compares: African/African-American, 0.0013%; no homozygotes.

Submission:

Labcorp Genetics (formerly Invitae), Labcorp
Classification: Uncertain significance for Familial cancer of breast. Last evaluated: 2022-04-03. Review status: criteria provided, single submitter. Criteria: Invitae Variant Classification Sherloc (09022015). Collection method: clinical testing. Allele origin: germline.
Comment: In summary, the available evidence is currently insufficient to determine the role of this variant in disease. Therefore, it has been classified as a Variant of Uncertain Significance. Algorithms developed to predict the effect of missense changes on protein structure and function output the following: SIFT: "Tolerated"; PolyPhen-2: "Benign"; Align-GVGD: "Class C0". The asparagine amino acid residue is found in multiple mammalian species, which suggests that this missense change does not adversely affect protein function. This variant has not been reported in the literature in individuals affected with BARD1-related conditions. This variant is not present in population databases (gnomAD no frequency). This sequence change replaces threonine, which is neutral and polar, with asparagine, which is neutral and polar, at codon 682 of the BARD1 protein (p.Thr682Asn).